The following is an entry in ClinVar:

NM_000388.4(CASR):c.2503del (p.Ala835fs)

Gene: CASR (calcium sensing receptor; plus strand). Cytogenetic location: 3q21.1.
Variant type: Deletion.
Coding change: c.2503del on transcript NM_000388.4 (MANE Select); coding-DNA position 2503, one base deleted (G; older notation c.2503delG).
Protein change: p.Ala835fs; shifts the reading frame from alanine 835.
Molecular consequence: frameshift variant.
Genome position (GRCh38, 1-based): chr3:122,284,457, G deleted. VCF-style (leftmost placement, unchanged base first): chr3-122284456-TG-T. GRCh37 (hg19) VCF-style: chr3-122003303-TG-T.
Other names: c.2533del, p.Ala845fs (NM_001178065.2); c.2503delG (NM_000388.4); short protein forms A835fs, A845fs.
Identifiers: ClinVar variation 3896304 (VCV003896304.2).

ClinVar aggregate classification (germline): Uncertain significance (1 of 4 stars; one submission).

Submission:

Women's Health and Genetics/Laboratory Corporation of America, LabCorp
Classification: Uncertain significance. Last evaluated: 2025-04-14. Review status: criteria provided, single submitter. Criteria: LabCorp Variant Classification Summary - May 2015. Collection method: clinical testing. Allele origin: germline.
Comment: Variant summary: CASR c.2503delG (p.Ala835ProfsX2) results in a premature termination codon, predicted to cause a truncation of the encoded protein or absence of the protein due to nonsense mediated decay, however current evidence is not sufficient to establish loss of function as a mechanism for disease. The variant was absent in 250958 control chromosomes. The available data on variant occurrences in the general population are insufficient to allow any conclusion about variant significance. To our knowledge, no occurrence of c.2503delG in individuals affected with Autosomal Dominant Hypocalcemia and no experimental evidence demonstrating its impact on protein function have been reported. No submitters have cited clinical-significance assessments for this variant to ClinVar. Based on the evidence outlined above, the variant was classified as uncertain significance.